The following is an entry in ClinVar:

ClinVar aggregate classification (germline): Uncertain significance. Review status: reviewed by expert panel (3 of 4 stars). 13 submissions from 13 submitters: Uncertain significance (1). 12 of the submissions do not count toward it. Last evaluated 2022-11-22.

Conditions:
Usher syndrome. Also called: Usher Syndromes; Usher's syndrome. Identifiers: Orphanet 886, MedGen CN469326, MeSH D052245, MONDO:0019501. Disease mechanism: loss of function.
USH2A-related disorder. Also called: USH2A-related disorders; USH2A-related condition. Identifiers: MedGen CN239332.
Retinitis pigmentosa 39 (RP39). Identifiers: Orphanet 791, MedGen C3151138, MONDO:0013436, OMIM 613809.
Usher syndrome type 2A. Also called: USHER SYNDROME, TYPE IIA; RETINAL DISEASE IN USHER SYNDROME TYPE IIA, MODIFIER OF. Identifiers: Orphanet 231178, Orphanet 886, MedGen C1848634, MONDO:0010169, OMIM 276901.
Retinitis pigmentosa (RP). Identifiers: Orphanet 791, MedGen C0035334, MeSH D012174, MONDO:0019200, OMIM 268000. Inheritance: Autosomal dominant, autosomal recessive and X linked inheritance.

Allele frequency attached by ClinVar (database versions not stated): gnomAD exomes 0.00022 and 0.00035; TOPMed 0.00022; gnomAD 0.00025 and 0.00026; ESP Exome Variant Server 0.00031; ExAC 0.00027.
gnomAD v4.1: 538 of 1,614,044 alleles (0.033%); highest among the groups gnomAD compares: Non-Finnish European, 0.043%; no homozygotes.

Submissions (13):

ClinGen Hearing Loss Variant Curation Expert Panel
Classification: Uncertain significance for Usher syndrome. Last evaluated: 2022-11-22. Review status: reviewed by expert panel. Criteria: Clingen Hl Acmg Specifications Cdh23 Coch Gjb2 Kcnq4 Myo6 Myo7a Slc26a4 Tecta Ush2a V2. Collection method: curation. Allele origin: germline. Inheritance: Autosomal recessive inheritance.
Comment: The variant NM_206933.4:c.13396C>T in USH2A is a missense variant predicted to cause substitution of proline by serine at amino acid 4466 (p.Pro4466Ser). The highest population minor allele frequency in gnomAD v2.1.1 is 0.00044 (57/128120 alleles) in the European (non-Finnish) population, which does not meet either PM2_supporting nor BS1 criteria. The REVEL computational prediction analysis tool produced a score of 0.049, which is below the threshold necessary to apply BP4. This variant has been reported in two probands, one with retinitis pigmentosa, however the second variant was not specified and no PM3 points were awarded and the other homozygous with inherited retinal disease (PM3_Supporting; PMID 28041643, 32581362). In summary, the variant meets criteria to be classified as uncertain significance for AR Usher syndrome. ACMG/AMP criteria met, as specified by the ClinGen Hearing Loss VCEP: BP4, PM3_Supporting (ClinGen Hearing Loss VCEP specifications version 2; 11/22/2022)

GeneDx
Classification: Uncertain significance. Last evaluated: 2026-04-03. Review status: criteria provided, single submitter. Criteria: GeneDx Variant Classification Process June 2021. Collection method: clinical testing. Allele origin: germline. Not counted in ClinVar's aggregate classification.
Comment: In silico analysis suggests that this missense variant does not alter protein structure/function; This variant is associated with the following publications: (PMID: 34426522, 38219857, 32581362, 28041643)

PreventionGenetics, part of Exact Sciences
Classification: Uncertain significance for USH2A-related condition. Last evaluated: 2026-03-28. Review status: criteria provided, single submitter. Criteria: ACMG Guidelines, 2015. Collection method: clinical testing. Allele origin: germline. Not counted in ClinVar's aggregate classification.
Comment: The USH2A c.13396C>T variant is predicted to result in the amino acid substitution p.Pro4466Ser. This variant was reported, along with a large deletion in the same gene, in an individual with retinitis pigmentosa (Table S2, Carss et al. 2017. PubMed ID: 28041643). This variant was also described in the homozygous state in at least one individual with retinal disease (Turro et al. 2020. PubMed ID: 32581362; Table S1, Lin et al. 2024. PubMed ID: 38219857). This variant is reported in 0.044% of alleles in individuals of European (Non-Finnish) descent in gnomAD. Although we suspect that this variant may be pathogenic, at this time, the clinical significance of this variant is uncertain due to the absence of conclusive functional and genetic evidence.

Myriad Genetics, Inc.
Classification: Uncertain significance for USH2A-related disorder. Last evaluated: 2026-01-06. Review status: criteria provided, single submitter. Criteria: Myriad Autosomal Dominant, Autosomal Recessive and X-Linked Classification Criteria (2023). Collection method: clinical testing. Allele origin: unknown. Not counted in ClinVar's aggregate classification.
Comment: NM_206933.2(USH2A):c.13396C>T(P4466S) is a missense variant classified as a variant of uncertain significance in the context of USH2A-related disorders. P4466S has been observed in cases with relevant disease (PMID: 28041643, 32581362, 38219857). Relevant functional assessments of this variant are not available in the literature. P4466S has been observed in referenced population frequency databases. In summary, there is insufficient evidence to classify NM_206933.2(USH2A):c.13396C>T(P4466S) as pathogenic or benign. Please note: this variant was assessed in the context of healthy population screening.

CeGaT Center for Human Genetics Tuebingen
Classification: Uncertain significance. Last evaluated: 2025-11-01. Review status: criteria provided, single submitter. Criteria: CeGaT Center For Human Genetics Tuebingen Variant Classification Criteria Version 2. Collection method: clinical testing. Allele origin: germline. Affected: yes. Observed: 1 variant allele. Not counted in ClinVar's aggregate classification.
Comment: USH2A: PM2, PM3, BP4

Labcorp Genetics (formerly Invitae), Labcorp
Classification: Uncertain significance. Last evaluated: 2024-11-11. Review status: criteria provided, single submitter. Criteria: Invitae Variant Classification Sherloc (09022015). Collection method: clinical testing. Allele origin: germline. Not counted in ClinVar's aggregate classification.
Comment: This sequence change replaces proline, which is neutral and non-polar, with serine, which is neutral and polar, at codon 4466 of the USH2A protein (p.Pro4466Ser). This variant is present in population databases (rs138398671, gnomAD 0.05%). This missense change has been observed in individual(s) with retinitis pigmentosa (PMID: 28041643). In at least one individual the data is consistent with being in trans (on the opposite chromosome) from a pathogenic variant. ClinVar contains an entry for this variant (Variation ID: 48417). Invitae Evidence Modeling of protein sequence and biophysical properties (such as structural, functional, and spatial information, amino acid conservation, physicochemical variation, residue mobility, and thermodynamic stability) indicates that this missense variant is not expected to disrupt USH2A protein function with a negative predictive value of 95%. In summary, the available evidence is currently insufficient to determine the role of this variant in disease. Therefore, it has been classified as a Variant of Uncertain Significance.

Blueprint Genetics
Classification: Likely benign. Last evaluated: 2024-11-04. Review status: criteria provided, single submitter. Criteria: ACMG Guidelines, 2015. Collection method: clinical testing. Allele origin: germline. Not counted in ClinVar's aggregate classification.

Women's Health and Genetics/Laboratory Corporation of America, LabCorp
Classification: Uncertain significance. Last evaluated: 2024-07-11. Review status: criteria provided, single submitter. Criteria: LabCorp Variant Classification Summary - May 2015. Collection method: clinical testing. Allele origin: germline. Not counted in ClinVar's aggregate classification.
Comment: Variant summary: USH2A c.13396C>T (p.Pro4466Ser) results in a non-conservative amino acid change located in the Fibronectin type III domain (IPR003961) of the encoded protein sequence. Four of five in-silico tools predict a benign effect of the variant on protein function. The variant allele was found at a frequency of 0.00022 in 250296 control chromosomes. This frequency is not significantly higher than estimated for a pathogenic variant in USH2A causing Usher Syndrome (0.00022 vs 0.011), allowing no conclusion about variant significance. c.13396C>T has been reported in the literature as homozygous or compound heterozygous genotype in two individuals affected with clinical features of Usher Syndrome (Carss_2017, Lin_2024)). These data indicate that the variant may be associated with disease. To our knowledge, no experimental evidence demonstrating an impact on protein function has been reported. The following publications have been ascertained in the context of this evaluation (PMID: 28041643, 38219857). ClinVar contains an entry for this variant (Variation ID: 48417). Based on the evidence outlined above, the variant was classified as VUS-possibly pathogenic.

Laboratory for Molecular Medicine, Mass General Brigham Personalized Medicine
Classification: Uncertain significance. Last evaluated: 2021-07-14. Review status: criteria provided, single submitter. Criteria: ACMG Guidelines, 2015. Collection method: clinical testing. Allele origin: germline. Not counted in ClinVar's aggregate classification.
Comment: The p.Pro4466Ser in exon 63 of USH2A has been identified in one individual with retinitis pigmentosa. This individual also carried a large deletion of the USH2A gene (chr1:215836170-215851932) (Carss 2017, PMID: 28041643). It has also been identified in 0.04% (57/128120) of European American chromosomes by gnomAD. This variant was classified as Uncertain Significance on Mar 25, 2019 by the ClinGen-approved Hearing Loss Variant Curation expert panel (Variation ID 48417). Computational prediction tools and conservation analyses suggest that this variant may not impact the protein, though this information is not predictive enough to rule out pathogenicity. This variant has a lack of conservation of the amino acid position. Of note, chicken has a serine (Ser) at this position despite high nearby amino acid conservation. In summary, the clinical significance of this variant is uncertain. ACMG/AMP Criteria applied: PM2_Supporting, PM3_Supporting, BP4.

Breakthrough Genomics
Classification: Uncertain significance. Review status: criteria provided, single submitter. Criteria: ACMG Guidelines, 2015. Collection method: not provided. Allele origin: germline. Inheritance: Autosomal recessive inheritance. Affected: yes. Not counted in ClinVar's aggregate classification.

Natera, Inc.
Classification: Uncertain significance for Usher syndrome type 2A. Last evaluated: 2019-11-06. Review status: no assertion criteria provided. Collection method: clinical testing. Allele origin: germline. Not counted in ClinVar's aggregate classification.

Counsyl
Classification: Uncertain significance for Usher syndrome type 2A; Retinitis pigmentosa 39. Last evaluated: 2018-03-30. Review status: no assertion criteria provided. Collection method: clinical testing. Allele origin: unknown. Not counted in ClinVar's aggregate classification.

NIHR Bioresource Rare Diseases, University of Cambridge
Classification: Likely pathogenic for Retinitis pigmentosa. Last evaluated: 2015-01-01. Review status: no assertion criteria provided. Collection method: research. Allele origin: unknown. Affected: yes. Observed: 1 variant allele. Not counted in ClinVar's aggregate classification.

Literature cited by the submitters: PubMed 28041643 (cited by 6 submitters); PubMed 32581362 (cited by Myriad Genetics, Inc.); PubMed 38219857 (cited by Myriad Genetics, Inc. and Women's Health and Genetics/Laboratory Corporation of America, LabCorp).

NM_206933.4(USH2A):c.13396C>T (p.Pro4466Ser)

Gene: USH2A (usherin; minus strand). Cytogenetic location: 1q41.
Variant type: single nucleotide variant.
Coding change: c.13396C>T on transcript NM_206933.4 (MANE Select); coding-DNA position 13396, C replaced by T.
Protein change: p.Pro4466Ser; replaces proline 4466 with serine.
Molecular consequence: missense variant.
Genome position (GRCh38, 1-based): chr1:215,674,515, G>A on the plus strand (C>T on the coding strand, the complement: USH2A is on the minus strand). VCF-style: chr1-215674515-G-A. GRCh37 (hg19) VCF-style: chr1-215847857-G-A.
Other names: NM_206933.4(USH2A):c.13396C>T; short protein forms P4466S.
Identifiers: ClinVar variation 48417 (VCV000048417.28), dbSNP rs138398671, ClinGen allele CA143316.